The following is an entry in ClinVar:

ClinVar aggregate classification (germline): Uncertain significance (1 of 4 stars; one submission).

Submission:

Ambry Genetics
Classification: Uncertain significance. Last evaluated: 2022-10-09. Review status: criteria provided, single submitter. Criteria: Ambry Variant Classification Scheme 2023. Collection method: clinical testing. Allele origin: germline.
Comment: The p.M580L variant (also known as c.1738A>T), located in coding exon 10 of the GALNT12 gene, results from an A to T substitution at nucleotide position 1738. The methionine at codon 580 is replaced by leucine, an amino acid with highly similar properties. This amino acid position is conserved. In addition, this alteration is predicted to be tolerated by in silico analysis. Since supporting evidence is limited at this time, the clinical significance of this alteration remains unclear.

NM_024642.5(GALNT12):c.1738A>T (p.Met580Leu)

Gene: GALNT12 (polypeptide N-acetylgalactosaminyltransferase 12; plus strand). Cytogenetic location: 9q22.33.
Variant type: single nucleotide variant.
Coding change: c.1738A>T on transcript NM_024642.5 (MANE Select); coding-DNA position 1738, A replaced by T.
Protein change: p.Met580Leu; replaces methionine 580 with leucine.
Molecular consequence: missense variant.
Genome position (GRCh38, 1-based): chr9:98,849,084, A>T. VCF-style: chr9-98849084-A-T. GRCh37 (hg19) VCF-style: chr9-101611366-A-T.
Other names: short protein forms M580L.
Identifiers: ClinVar variation 1779120 (VCV001779120.2), dbSNP rs1060502966, ClinGen allele CA374223405.